The following is an entry in ClinVar:

NM_021076.4(NEFH):c.977del (p.Gln326fs)

Gene: NEFH (neurofilament heavy chain; plus strand). Cytogenetic location: 22q12.2.
Variant type: Deletion.
Coding change: c.977del on transcript NM_021076.4 (MANE Select); coding-DNA position 977, one base deleted (A; older notation c.977delA).
Protein change: p.Gln326fs; shifts the reading frame from glutamine 326.
Molecular consequence: frameshift variant.
Genome position (GRCh38, 1-based): chr22:29,483,468, A deleted. VCF-style (leftmost placement, unchanged base first): chr22-29483467-CA-C. GRCh37 (hg19) VCF-style: chr22-29879456-CA-C.
Other names: short protein forms Q326fs.
Identifiers: ClinVar variation 3655018 (VCV003655018.2).

ClinVar aggregate classification (germline): Uncertain significance (1 of 4 stars; one submission).

Submission:

Labcorp Genetics (formerly Invitae), Labcorp
Classification: Uncertain significance. Last evaluated: 2024-07-13. Review status: criteria provided, single submitter. Criteria: Invitae Variant Classification Sherloc (09022015). Collection method: clinical testing. Allele origin: germline.
Comment: This sequence change creates a premature translational stop signal (p.Gln326Argfs*10) in the NEFH gene. It is expected to result in an absent or disrupted protein product. However, the current clinical and genetic evidence is not sufficient to establish whether loss-of-function variants in NEFH cause disease. This variant is not present in population databases (gnomAD no frequency). This variant has not been reported in the literature in individuals affected with NEFH-related conditions. In summary, the available evidence is currently insufficient to determine the role of this variant in disease. Therefore, it has been classified as a Variant of Uncertain Significance.